The following is an entry in ClinVar:

NM_001346810.2(DLGAP2):c.778del (p.Asp260fs)

Gene: DLGAP2 (DLG associated protein 2; plus strand). Cytogenetic location: 8p23.3.
Variant type: Deletion.
Coding change: c.778del on transcript NM_001346810.2 (MANE Select); coding-DNA position 778, one base deleted (G; older notation c.778delG).
Protein change: p.Asp260fs; shifts the reading frame from aspartic acid 260.
Molecular consequence: frameshift variant.
Genome position (GRCh38, 1-based): chr8:1,549,231, G deleted; the last of 2 consecutive G bases (chr8:1,549,230-1,549,231); deleting either gives the same sequence. VCF-style (leftmost placement, unchanged base first): chr8-1549229-CG-C. GRCh37 (hg19) VCF-style: chr8-1497395-CG-C.
Other names: short protein forms D260fs.
Identifiers: ClinVar variation 4998048 (VCV004998048.1).

ClinVar aggregate classification (germline): Uncertain significance (1 of 4 stars; one submission).

Conditions:
DLGAP2-related disorder. Also called: DLGAP2-related condition.

Submission:

PreventionGenetics, part of Exact Sciences
Classification: Uncertain significance for DLGAP2-related condition. Last evaluated: 2025-01-16. Review status: criteria provided, single submitter. Criteria: ACMG Guidelines, 2015. Collection method: clinical testing. Allele origin: germline.
Comment: The DLGAP2 c.778delG variant is predicted to result in a frameshift and premature protein termination (p.Asp260Thrfs*34). To our knowledge, this variant has not been reported in the literature or in a large population database (gnomAD), indicating this variant is rare. At this time, the clinical significance of this variant is uncertain due to the absence of conclusive functional and genetic evidence.